The following is an entry in ClinVar:

ClinVar aggregate classification (germline): Uncertain significance (1 of 4 stars; one submission).

Allele frequency attached by ClinVar (database versions not stated): TOPMed below 0.00001; gnomAD exomes 0.00021; gnomAD below 0.00001 and 0.00002; ExAC 0.00046.
gnomAD v4.1: 85 of 1,491,256 alleles (0.0057%); highest among the groups gnomAD compares: South Asian, 0.11%; no homozygotes.

Submission:

GeneDx
Classification: Uncertain significance. Last evaluated: 2017-06-01. Review status: criteria provided, single submitter. Criteria: GeneDx Variant Classification (06012015). Collection method: clinical testing. Allele origin: germline. Affected: yes.
Comment: This variant is denoted CDKN2A c.-40C>A, and consists of a C>A nucleotide substitution 40 bases upstream of the translation initiation site. The CDKN2A gene encodes the p16 protein, and using an alternate reading frame, the p14ARF protein as well. Although this variant does not appear to affect the start codon or the Kozak translational consensus sequence there are published variants in p16, including c.-34C>T, that are considered to be potential deleterious variants and thought to be functionally deficient (Bisio 2010). This variant was not observed in approximately 6,500 individuals of European and African American ancestry in the NHLBI Exome Sequencing Project, suggesting it is not a common benign variant in these populations. Based on currently available information, it is unclear whether CDKN2A c.-40C>G is pathogenic or benign. We consider it to be a variant of uncertain significance.

NM_058195.4(CDKN2A):c.194-3659C>A

Gene: CDKN2A (cyclin dependent kinase inhibitor 2A; minus strand). Cytogenetic location: 9p21.3.
Variant type: single nucleotide variant.
Coding change: c.194-3659C>A on transcript NM_058195.4 (MANE Plus Clinical); 3659 bases into the intron before coding-DNA position 194, C replaced by A.
Molecular consequence: intron variant.
Genome position (GRCh38, 1-based): chr9:21,974,867, G>T on the plus strand (C>A on the coding strand, the complement: CDKN2A is on the minus strand). VCF-style: chr9-21974867-G-T. GRCh37 (hg19) VCF-style: chr9-21974866-G-T.
Other names: c.-40C>A (NM_000077.6); c.-3-3659C>A (NM_001363763.2).
Identifiers: ClinVar variation 419517 (VCV000419517.4), dbSNP rs777276974, ClinGen allele CA5012356.